The following is an entry in ClinVar:

ClinVar aggregate classification (germline): Benign (1 of 4 stars; one submission).

Allele frequency attached by ClinVar (database versions not stated): ExAC 0.00046; ESP Exome Variant Server 0.00138; 1000 Genomes Project 0.00140; 1000 Genomes Project 30x 0.00141; TOPMed 0.00155.
gnomAD v4.1: 431 of 1,613,042 alleles (0.027%); highest among the groups gnomAD compares: African/African-American, 0.54%; 3 homozygotes.

Submission:

CeGaT Center for Human Genetics Tuebingen
Classification: Benign. Last evaluated: 2022-03-01. Review status: criteria provided, single submitter. Criteria: CeGaT Center For Human Genetics Tuebingen Variant Classification Criteria Version 2. Collection method: clinical testing. Allele origin: germline. Affected: yes. Observed: 1 variant allele.
Comment: WDFY3: BS1, BS2

NM_014991.6(WDFY3):c.2455C>T (p.Pro819Ser)

Genes: WDFY3-AS1 (WDFY3 antisense RNA 1; plus strand), WDFY3 (WD repeat and FYVE domain containing 3; minus strand). Cytogenetic location: 4q21.23.
Variant type: single nucleotide variant.
Coding change: c.2455C>T on transcript NM_014991.6 (MANE Select); coding-DNA position 2455, C replaced by T.
Protein change: p.Pro819Ser; replaces proline 819 with serine.
Molecular consequence: missense variant.
Genome position (GRCh38, 1-based): chr4:84,803,442, G>A on the plus strand (C>T on the coding strand, the complement: WDFY3 is on the minus strand). VCF-style: chr4-84803442-G-A. GRCh37 (hg19) VCF-style: chr4-85724595-G-A.
Other names: short protein forms P819S.
Identifiers: ClinVar variation 2654878 (VCV002654878.24), dbSNP rs147652255, ClinGen allele CA2993732.
Genomic context (GRCh38, chr4:84,803,442, plus strand): 5'-GAGATGAAGTTGTCACATGTAGTTTCAGGTCGGCAACATTTTTAGGAGGGTAAACAGGGG[G>A]AGTTGAAACAGAATGATATGCATGCCTATAAAAAAAGAAAGAGTAAATTTGGTATTGAAT-3'
Protein context (NP_055806.2, residues 809-829): KRHAYHSVST[Pro819Ser]PVYPPKNVAD